The following is an entry in ClinVar:

NM_006766.5(KAT6A):c.3313A>G (p.Lys1105Glu)

Gene: KAT6A (lysine acetyltransferase 6A; minus strand). Cytogenetic location: 8p11.21.
Variant type: single nucleotide variant.
Coding change: c.3313A>G on transcript NM_006766.5 (MANE Select); coding-DNA position 3313, A replaced by G.
Protein change: p.Lys1105Glu; replaces lysine 1105 with glutamic acid.
Molecular consequence: missense variant.
Genome position (GRCh38, 1-based): chr8:41,937,295, T>C on the plus strand (A>G on the coding strand, the complement: KAT6A is on the minus strand). VCF-style: chr8-41937295-T-C. GRCh37 (hg19) VCF-style: chr8-41794813-T-C.
Other names: short protein forms K1105E.
Identifiers: ClinVar variation 2630923 (VCV002630923.1), dbSNP rs2486763126, ClinGen allele CA371069858.

ClinVar aggregate classification (germline): Uncertain significance (1 of 4 stars; one submission).

Conditions:
KAT6A-related disorder. Also called: KAT6A-related condition.

Submission:

PreventionGenetics, part of Exact Sciences
Classification: Uncertain significance for KAT6A-related condition. Last evaluated: 2023-09-05. Review status: criteria provided, single submitter. Criteria: ACMG Guidelines, 2015. Collection method: clinical testing. Allele origin: germline.
Comment: The KAT6A c.3313A>G variant is predicted to result in the amino acid substitution p.Lys1105Glu. This variant was reported as a de novo variant in an individual with congenital heart disease (Edwards et al. 2020. PubMed ID: 32368696). This variant has not been reported in a large population database, indicating this variant is rare. At this time, the clinical significance of this variant is uncertain due to the absence of conclusive functional and genetic evidence.